The following is an entry in ClinVar:

NM_053025.4(MYLK):c.1048G>A (p.Ala350Thr)

Gene: MYLK (myosin light chain kinase; minus strand). Cytogenetic location: 3q21.1.
Variant type: single nucleotide variant.
Coding change: c.1048G>A on transcript NM_053025.4 (MANE Select); coding-DNA position 1048, G replaced by A.
Protein change: p.Ala350Thr; replaces alanine 350 with threonine.
Molecular consequence: missense variant.
Genome position (GRCh38, 1-based): chr3:123,733,948, C>T on the plus strand (G>A on the coding strand, the complement: MYLK is on the minus strand). VCF-style: chr3-123733948-C-T. GRCh37 (hg19) VCF-style: chr3-123452795-C-T.
Other names: c.520G>A, p.Ala174Thr (NM_001321309.2); c.1048G>A, p.Ala350Thr (NM_053026.4, NM_053027.4, NM_053028.4); short protein forms A174T, A350T.
Identifiers: ClinVar variation 849061 (VCV000849061.13), dbSNP rs532659627, ClinGen allele CA066644.

ClinVar aggregate classification (germline): Conflicting classifications of pathogenicity. Review status: criteria provided, conflicting classifications (1 of 4 stars). 4 submissions from 4 submitters: Uncertain significance (3); Likely benign (1). Last evaluated 2023-06-03.

Conditions:
Aortic aneurysm, familial thoracic 7 (AAT7). Also called: AORTIC DISSECTION, FAMILIAL, WITH OR WITHOUT AORTIC ANEURYSM. Identifiers: MedGen C3151077, MONDO:0013418, OMIM 613780.
Familial thoracic aortic aneurysm and aortic dissection (TAAD). Also called: Thoracic aortic aneurysms and dissections. Identifiers: Orphanet 91387, MedGen C4707243, MONDO:0019625.

Allele frequency attached by ClinVar (database versions not stated): TOPMed 0.00002; 1000 Genomes Project 30x 0.00016; 1000 Genomes Project 0.00020.
gnomAD v4.1: 42 of 1,614,170 alleles (0.0026%); highest among the groups gnomAD compares: Middle Eastern, 0.033%; no homozygotes.

Submissions (4):

Labcorp Genetics (formerly Invitae), Labcorp
Classification: Uncertain significance for Aortic aneurysm, familial thoracic 7. Last evaluated: 2023-06-03. Review status: criteria provided, single submitter. Criteria: Invitae Variant Classification Sherloc (09022015). Collection method: clinical testing. Allele origin: germline.
Comment: In summary, the available evidence is currently insufficient to determine the role of this variant in disease. Therefore, it has been classified as a Variant of Uncertain Significance. Advanced modeling of protein sequence and biophysical properties (such as structural, functional, and spatial information, amino acid conservation, physicochemical variation, residue mobility, and thermodynamic stability) performed at Invitae indicates that this missense variant is not expected to disrupt MYLK protein function. ClinVar contains an entry for this variant (Variation ID: 849061). This variant has not been reported in the literature in individuals affected with MYLK-related conditions. This variant is present in population databases (rs532659627, gnomAD 0.007%). This sequence change replaces alanine, which is neutral and non-polar, with threonine, which is neutral and polar, at codon 350 of the MYLK protein (p.Ala350Thr).

Ambry Genetics
Classification: Likely benign for Familial thoracic aortic aneurysm and aortic dissection. Last evaluated: 2022-04-03. Review status: criteria provided, single submitter. Criteria: Ambry Variant Classification Scheme 2023. Collection method: clinical testing. Allele origin: germline.

GeneDx
Classification: Uncertain significance. Last evaluated: 2021-08-19. Review status: criteria provided, single submitter. Criteria: GeneDx Variant Classification Process June 2021. Collection method: clinical testing. Allele origin: germline. Affected: yes.
Comment: Has not been previously published as pathogenic or benign to our knowledge; In silico analysis supports that this missense variant does not alter protein structure/function; Reported in ClinVar as a variant of uncertain significance (ClinVar Variant ID# 849061; Landrum et al., 2016); This variant is associated with the following publications: (PMID: 26582918)

CHEO Genetics Diagnostic Laboratory, Children's Hospital of Eastern Ontario
Classification: Uncertain significance for Familial thoracic aortic aneurysm and aortic dissection. Last evaluated: 2018-09-12. Review status: criteria provided, single submitter. Criteria: ACMG Guidelines, 2015. Collection method: clinical testing. Allele origin: germline.